The following is an entry in ClinVar:

NM_001395413.1(POR):c.468G>A (p.Leu156=)

Gene: POR (cytochrome p450 oxidoreductase; plus strand). Cytogenetic location: 7q11.23.
Variant type: single nucleotide variant.
Coding change: c.468G>A on transcript NM_001395413.1 (MANE Select); coding-DNA position 468, G replaced by A.
Protein change: p.Leu156=; no amino-acid change (leucine 156 retained).
Molecular consequence: synonymous variant.
Genome position (GRCh38, 1-based): chr7:75,980,449, G>A. VCF-style: chr7-75980449-G-A. GRCh37 (hg19) VCF-style: chr7-75609767-G-A.
Other names: c.468G>A, p.Leu156= (NM_001367562.3, NM_001382657.2, NM_001382658.3 and 2 more transcripts); c.522G>A, p.Leu174= (NM_001382655.3).
Identifiers: ClinVar variation 1635515 (VCV001635515.17), dbSNP rs782013669, ClinGen allele CA4303644.

ClinVar aggregate classification (germline): Likely benign. Review status: criteria provided, multiple submitters, no conflicts (2 of 4 stars). 3 submissions from 3 submitters: Likely benign (3). Last evaluated 2026-01-18.

Conditions:
Congenital adrenal hyperplasia due to cytochrome P450 oxidoreductase deficiency. Also called: DISORDERED STEROIDOGENESIS DUE TO POR DEFICIENCY. Identifiers: Orphanet 95699, MedGen C1860042, MONDO:0013310, OMIM 613571.

Allele frequency attached by ClinVar (database versions not stated): gnomAD 0.00009; ExAC 0.00020; TOPMed 0.00029.
gnomAD v4.1: 122 of 1,613,072 alleles (0.0076%); highest among the groups gnomAD compares: Admixed American, 0.062%; no homozygotes.

Submissions (3):

Labcorp Genetics (formerly Invitae), Labcorp
Classification: Likely benign for Congenital adrenal hyperplasia due to cytochrome P450 oxidoreductase deficiency. Last evaluated: 2026-01-18. Review status: criteria provided, single submitter. Criteria: Invitae Variant Classification Sherloc (09022015). Collection method: clinical testing. Allele origin: germline.

CeGaT Center for Human Genetics Tuebingen
Classification: Likely benign. Last evaluated: 2025-08-01. Review status: criteria provided, single submitter. Criteria: CeGaT Center For Human Genetics Tuebingen Variant Classification Criteria Version 2. Collection method: clinical testing. Allele origin: germline. Affected: yes. Observed: 1 variant allele.
Comment: POR: BP4, BP7

Blueprint Genetics
Classification: Likely benign. Last evaluated: 2020-11-03. Review status: criteria provided, single submitter. Criteria: ACMG Guidelines, 2015. Collection method: clinical testing. Allele origin: germline.